The following is an entry in ClinVar:

NM_025074.7(FRAS1):c.6444C>T (p.Thr2148=)

Gene: FRAS1 (Fraser extracellular matrix complex subunit 1; plus strand). Cytogenetic location: 4q21.21.
Variant type: single nucleotide variant.
Coding change: c.6444C>T on transcript NM_025074.7 (MANE Select); coding-DNA position 6444, C replaced by T.
Protein change: p.Thr2148=; no amino-acid change (threonine 2148 retained).
Molecular consequence: synonymous variant.
Genome position (GRCh38, 1-based): chr4:78,450,320, C>T. VCF-style: chr4-78450320-C-T. GRCh37 (hg19) VCF-style: chr4-79371474-C-T.
Other names: p.Thr2148=.
Identifiers: ClinVar variation 261809 (VCV000261809.16), dbSNP rs17003235, ClinGen allele CA2977783.

ClinVar aggregate classification (germline): Benign. Review status: criteria provided, multiple submitters, no conflicts (2 of 4 stars). 6 submissions from 6 submitters: Benign (6). Last evaluated 2026-02-04.

Conditions:
Fraser syndrome 1 (FRASRS1). Also called: CRYPTOPHTHALMOS WITH OTHER MALFORMATIONS. Identifiers: Orphanet 2052, MedGen C4551480, MONDO:0054737, OMIM 219000.

Allele frequency attached by ClinVar (database versions not stated): 1000 Genomes Project 0.14956; 1000 Genomes Project 30x 0.15053; gnomAD exomes 0.16336 and 0.20778; ExAC 0.16862; gnomAD 0.20990 and 0.21846; TOPMed 0.21199; ESP Exome Variant Server 0.23343.
gnomAD v4.1: 334,292 of 1,613,304 alleles (21%); highest among the groups gnomAD compares: African/African-American, 28%; 37,849 homozygotes.

Submissions (6):

Labcorp Genetics (formerly Invitae), Labcorp
Classification: Benign. Last evaluated: 2026-02-04. Review status: criteria provided, single submitter. Criteria: Invitae Variant Classification Sherloc (09022015). Collection method: clinical testing. Allele origin: germline.

Blueprint Genetics
Classification: Benign. Last evaluated: 2024-11-26. Review status: criteria provided, single submitter. Criteria: ACMG Guidelines, 2015. Collection method: clinical testing. Allele origin: germline.

Mayo Clinic Laboratories, Mayo Clinic
Classification: Benign. Last evaluated: 2022-03-09. Review status: criteria provided, single submitter. Criteria: ACMG Guidelines, 2015. Collection method: clinical testing. Allele origin: germline. Observed: 27 variant alleles.

Illumina Laboratory Services, Illumina
Classification: Benign for Fraser syndrome 1. Last evaluated: 2018-01-13. Review status: criteria provided, single submitter. Criteria: ICSL Variant Classification Criteria 13 December 2019. Collection method: clinical testing. Allele origin: germline.
Comment: This variant was observed in the ICSL laboratory as part of a predisposition screen in an ostensibly healthy population. It had not been previously curated by ICSL or reported in the Human Gene Mutation Database (HGMD: prior to June 1st, 2018), and was therefore a candidate for classification through an automated scoring system. Utilizing variant allele frequency, disease prevalence and penetrance estimates, and inheritance mode, an automated score was calculated to assess if this variant is too frequent to cause the disease. Based on the score and internal cut-off values, a variant classified as benign is not then subjected to further curation. The score for this variant resulted in a classification of benign for this disease.

Breakthrough Genomics
Classification: Benign. Review status: criteria provided, single submitter. Criteria: ACMG Guidelines, 2015. Collection method: not provided. Allele origin: germline. Inheritance: Autosomal recessive inheritance. Affected: yes.

PreventionGenetics, part of Exact Sciences
Classification: Benign. Review status: criteria provided, single submitter. Criteria: ACMG Guidelines, 2015. Collection method: clinical testing. Allele origin: germline.